The following is an entry in ClinVar:

ClinVar aggregate classification (germline): Uncertain significance (1 of 4 stars; one submission).

Conditions:
Rubinstein-Taybi syndrome (RSTS). Identifiers: Orphanet 783, MedGen C0035934, MONDO:0019188.

Submission:

Labcorp Genetics (formerly Invitae), Labcorp
Classification: Uncertain significance for Rubinstein-Taybi syndrome. Last evaluated: 2025-06-04. Review status: criteria provided, single submitter. Criteria: Invitae Variant Classification Sherloc (09022015). Collection method: clinical testing. Allele origin: germline.
Comment: This sequence change replaces proline, which is neutral and non-polar, with arginine, which is basic and polar, at codon 2080 of the CREBBP protein (p.Pro2080Arg). This variant is not present in population databases (gnomAD no frequency). This variant has not been reported in the literature in individuals affected with CREBBP-related conditions. Invitae Evidence Modeling of protein sequence and biophysical properties (such as structural, functional, and spatial information, amino acid conservation, physicochemical variation, residue mobility, and thermodynamic stability) indicates that this missense variant is expected to disrupt CREBBP protein function with a positive predictive value of 80%. In summary, the available evidence is currently insufficient to determine the role of this variant in disease. Therefore, it has been classified as a Variant of Uncertain Significance.

NM_004380.3(CREBBP):c.6239C>G (p.Pro2080Arg)

Gene: CREBBP (CREB binding lysine acetyltransferase; minus strand). Cytogenetic location: 16p13.3.
Variant type: single nucleotide variant.
Coding change: c.6239C>G on transcript NM_004380.3 (MANE Select); coding-DNA position 6239, C replaced by G.
Protein change: p.Pro2080Arg; replaces proline 2080 with arginine.
Molecular consequence: missense variant.
Genome position (GRCh38, 1-based): chr16:3,728,808, G>C on the plus strand (C>G on the coding strand, the complement: CREBBP is on the minus strand). VCF-style: chr16-3728808-G-C. GRCh37 (hg19) VCF-style: chr16-3778809-G-C.
Other names: c.6125C>G, p.Pro2042Arg (NM_001079846.1); short protein forms P2042R, P2080R.
Identifiers: ClinVar variation 4747490 (VCV004747490.1).